The following is an entry in ClinVar:

NM_001165963.4(SCN1A):c.4906C>G (p.Arg1636Gly)

Genes: SCN1A (sodium voltage-gated channel alpha subunit 1; minus strand), LOC102724058 (uncharacterized LOC102724058; plus strand). Cytogenetic location: 2q24.3.
Variant type: single nucleotide variant.
Coding change: c.4906C>G on transcript NM_001165963.4 (MANE Select); coding-DNA position 4906, C replaced by G.
Protein change: p.Arg1636Gly; replaces arginine 1636 with glycine.
Molecular consequence: missense variant. On other transcripts: non-coding transcript variant (1).
Genome position (GRCh38, 1-based): chr2:165,992,369, G>C on the plus strand (C>G on the coding strand, the complement: SCN1A is on the minus strand). VCF-style: chr2-165992369-G-C. GRCh37 (hg19) VCF-style: chr2-166848879-G-C.
Other names: c.4822C>G, p.Arg1608Gly (NM_001165964.3, NM_001353957.2, NM_001353958.2); c.4906C>G, p.Arg1636Gly (NM_001202435.3, NM_001353948.2); c.4873C>G, p.Arg1625Gly (NM_001353949.2, NM_001353950.2, NM_001353951.2 and 2 more transcripts); c.4870C>G, p.Arg1624Gly (NM_001353954.2, NM_001353955.2); c.4819C>G, p.Arg1607Gly (NM_001353960.2); c.2464C>G, p.Arg822Gly (NM_001353961.2); short protein forms R1607G, R1636G, R1625G, R822G, R1608G, R1624G.
Identifiers: ClinVar variation 2031256 (VCV002031256.4), dbSNP rs199727342, ClinGen allele CA349070338.

ClinVar aggregate classification (germline): Likely pathogenic (1 of 4 stars; one submission).

Conditions:
Early-infantile DEE. Also called: Ohtahara syndrome; Early infantile epileptic encephalopathy with suppression bursts; Early infantile epileptic encephalopathy. Identifiers: Orphanet 1934, MedGen C0393706, MONDO:0800491.

Submission:

Labcorp Genetics (formerly Invitae), Labcorp
Classification: Likely pathogenic for Early-infantile DEE. Last evaluated: 2022-10-05. Review status: criteria provided, single submitter. Criteria: Invitae Variant Classification Sherloc (09022015). Collection method: clinical testing. Allele origin: germline.
Comment: Advanced modeling of protein sequence and biophysical properties (such as structural, functional, and spatial information, amino acid conservation, physicochemical variation, residue mobility, and thermodynamic stability) performed at Invitae indicates that this missense variant is expected to disrupt SCN1A protein function. In summary, the currently available evidence indicates that the variant is pathogenic, but additional data are needed to prove that conclusively. Therefore, this variant has been classified as Likely Pathogenic. This variant disrupts the p.Arg1636 amino acid residue in SCN1A. Other variant(s) that disrupt this residue have been determined to be pathogenic (PMID: 17347258; Invitae). This suggests that this residue is clinically significant, and that variants that disrupt this residue are likely to be disease-causing. This variant has not been reported in the literature in individuals affected with SCN1A-related conditions. This variant is not present in population databases (gnomAD no frequency). This sequence change replaces arginine, which is basic and polar, with glycine, which is neutral and non-polar, at codon 1636 of the SCN1A protein (p.Arg1636Gly).

Literature cited by the submitters: PubMed 17347258.